The following is an entry in ClinVar:

ClinVar aggregate classification (germline): Likely pathogenic (1 of 4 stars; one submission).

Conditions:
Congenital dyserythropoietic anemia, type II (CDAN2). Also called: DYSERYTHROPOIETIC ANEMIA, HEMPAS TYPE. Identifiers: Orphanet 98873, MedGen C1306589, MONDO:0009134, OMIM 224100.
Cowden syndrome 7 (CWS7). Identifiers: Orphanet 201, MedGen C4225179, MONDO:0014802, OMIM 616858.

Submission:

Labcorp Genetics (formerly Invitae), Labcorp
Classification: Likely pathogenic for Congenital dyserythropoietic anemia, type II; Cowden syndrome 7. Last evaluated: 2024-01-18. Review status: criteria provided, single submitter. Criteria: Invitae Variant Classification Sherloc (09022015). Collection method: clinical testing. Allele origin: germline.
Comment: This variant results in the deletion of part of exon 11 (c.1314_1314+10del) of the SEC23B gene. It is expected to disrupt RNA splicing. Variants that disrupt the donor or acceptor splice site typically lead to a loss of protein function (PMID: 16199547), and loss-of-function variants in SEC23B are known to be pathogenic (PMID: 19561605, 25044164). This variant is not present in population databases (gnomAD no frequency). This variant has not been reported in the literature in individuals affected with SEC23B-related conditions. Algorithms developed to predict the effect of sequence changes on RNA splicing suggest that this variant may disrupt the consensus splice site. In summary, the currently available evidence indicates that the variant is pathogenic, but additional data are needed to prove that conclusively. Therefore, this variant has been classified as Likely Pathogenic.

Literature cited by the submitters: PubMed 16199547; PubMed 19561605; PubMed 25044164.

NM_006363.6(SEC23B):c.1314_1314+10del

Gene: SEC23B (SEC23 homolog B, COPII component; plus strand). Cytogenetic location: 20p11.23.
Variant type: Deletion.
Coding change: c.1314_1314+10del on transcript NM_006363.6 (MANE Select); coding-DNA position 1314 through 10 bases into the intron after coding-DNA position 1314, 11 bases deleted (TGTAAGGAAAA).
Molecular consequence: splice donor variant.
Genome position (GRCh38, 1-based): chr20:18,532,744-18,532,754, TGTAAGGAAAA deleted; deleting any 11 consecutive bases within chr20:18,532,739-18,532,754 gives the same sequence; the c. name uses the placement nearest the transcript's 3' end. VCF-style (leftmost placement, unchanged base first): chr20-18532738-AGAAAATGTAAG-A. GRCh37 (hg19) VCF-style: chr20-18513382-AGAAAATGTAAG-A.
Other names: c.1314_1314+10del (NM_032986.5, NM_001172745.3, NM_032985.6); c.1260_1260+10del (NM_001172746.3).
Identifiers: ClinVar variation 2922291 (VCV002922291.3), dbSNP rs2517485865, ClinGen allele CA2740097039.